The following is an entry in ClinVar:

NM_001040142.2(SCN2A):c.4839_4840delinsGA (p.Leu1614Met)

Gene: SCN2A (sodium voltage-gated channel alpha subunit 2; plus strand). Cytogenetic location: 2q24.3.
Variant type: Indel.
Coding change: c.4839_4840delinsGA on transcript NM_001040142.2 (MANE Select); coding-DNA positions 4839 to 4840, AC replaced by GA.
Protein change: p.Leu1614Met; replaces leucine 1614 with methionine.
Molecular consequence: missense variant.
Genome position (GRCh38, 1-based): chr2:165,388,645-165,388,646, AC replaced by GA. VCF-style: chr2-165388645-AC-GA. GRCh37 (hg19) VCF-style: chr2-166245155-AC-GA.
Other names: c.4839_4840delinsGA, p.Leu1614Met (NM_001040143.2, NM_001371246.1, NM_001371247.1 and 1 more transcripts); short protein forms L1614M.
Identifiers: ClinVar variation 4792768 (VCV004792768.1).

ClinVar aggregate classification (germline): Uncertain significance (1 of 4 stars; one submission).

Conditions:
Developmental and epileptic encephalopathy, 11 (DEE11). Also called: Early infantile epileptic encephalopathy 11. Identifiers: Orphanet 1934, MedGen C3150987, MONDO:0013388, OMIM 613721.
Seizures, benign familial infantile, 3 (BFIS3). Also called: CONVULSIONS, BENIGN FAMILIAL INFANTILE, 3; Familial neonatal seizures. Identifiers: Orphanet 140927, Orphanet 306, MedGen C1843140, MONDO:0011904, OMIM 607745.

Submission:

Labcorp Genetics (formerly Invitae), Labcorp
Classification: Uncertain significance for Seizures, benign familial infantile, 3; Developmental and epileptic encephalopathy, 11. Last evaluated: 2025-05-07. Review status: criteria provided, single submitter. Criteria: Invitae Variant Classification Sherloc (09022015). Collection method: clinical testing. Allele origin: germline.
Comment: This sequence change replaces leucine, which is neutral and non-polar, with methionine, which is neutral and non-polar, at codon 1614 of the SCN2A protein (p.Leu1614Met). Information on the frequency of this variant in the gnomAD database is not available, as this variant may be reported differently in the database. This variant has not been reported in the literature in individuals affected with SCN2A-related conditions. Experimental studies and prediction algorithms are not available or were not evaluated, and the functional significance of this variant is currently unknown. In summary, the available evidence is currently insufficient to determine the role of this variant in disease. Therefore, it has been classified as a Variant of Uncertain Significance.